The following is an entry in ClinVar:

NM_014956.5(CEP164):c.1628A>G (p.His543Arg)

Gene: CEP164 (centrosomal protein 164; plus strand). Cytogenetic location: 11q23.3.
Variant type: single nucleotide variant.
Coding change: c.1628A>G on transcript NM_014956.5 (MANE Select); coding-DNA position 1628, A replaced by G.
Protein change: p.His543Arg; replaces histidine 543 with arginine.
Molecular consequence: missense variant.
Genome position (GRCh38, 1-based): chr11:117,382,846, A>G. VCF-style: chr11-117382846-A-G. GRCh37 (hg19) VCF-style: chr11-117253562-A-G.
Other names: c.1637A>G, p.His546Arg (NM_001271933.2); c.1628A>G (NM_014956.4); short protein forms H543R, H546R.
Identifiers: ClinVar variation 1383324 (VCV001383324.7), dbSNP rs780941204, ClinGen allele CA6294809.

ClinVar aggregate classification (germline): Conflicting classifications of pathogenicity. Review status: criteria provided, conflicting classifications (1 of 4 stars). 2 submissions from 2 submitters: Uncertain significance (1); Likely benign (1). Last evaluated 2025-07-02.

Conditions:
Nephronophthisis 15 (NPHP15). Identifiers: Orphanet 3156, MedGen C3541853, MONDO:0013917, OMIM 614845.
Inborn genetic diseases. Identifiers: MedGen C0950123, MeSH D030342.

Allele frequency attached by ClinVar (database versions not stated): ExAC 0.00002; gnomAD exomes 0.00001.
gnomAD v4.1: 6 of 1,614,154 alleles (0.00037%); highest among the groups gnomAD compares: Admixed American, 0.0033%; no homozygotes.

Submissions (2):

Ambry Genetics
Classification: Likely benign for Inborn genetic diseases. Last evaluated: 2025-07-02. Review status: criteria provided, single submitter. Criteria: Ambry Variant Classification Scheme 2023. Collection method: clinical testing. Allele origin: germline.

Labcorp Genetics (formerly Invitae), Labcorp
Classification: Uncertain significance for Nephronophthisis 15. Last evaluated: 2021-11-20. Review status: criteria provided, single submitter. Criteria: Invitae Variant Classification Sherloc (09022015). Collection method: clinical testing. Allele origin: germline.
Comment: This sequence change replaces histidine, which is basic and polar, with arginine, which is basic and polar, at codon 543 of the CEP164 protein (p.His543Arg). In summary, the available evidence is currently insufficient to determine the role of this variant in disease. Therefore, it has been classified as a Variant of Uncertain Significance. Algorithms developed to predict the effect of missense changes on protein structure and function output the following: SIFT: "Tolerated"; PolyPhen-2: "Benign"; Align-GVGD: "Class C0". The arginine amino acid residue is found in multiple mammalian species, which suggests that this missense change does not adversely affect protein function. This variant has not been reported in the literature in individuals affected with CEP164-related conditions. This variant is present in population databases (rs780941204, gnomAD 0.01%).